The following is an entry in ClinVar:

ClinVar aggregate classification (germline): Uncertain significance (1 of 4 stars; one submission).

Conditions:
Multiple endocrine neoplasia, type 1 (MEN1). Also called: MEN I; WERMER SYNDROME; Endocrine adenomatosis multiple; MEN 1; MEA I. Identifiers: Orphanet 652, MedGen C0025267, MeSH D018761, MONDO:0007540, OMIM 131100.

Allele frequency attached by ClinVar (database versions not stated): gnomAD exomes below 0.00001.
gnomAD v4.1: 1 of 1,564,234 alleles (0.000064%); highest among the groups gnomAD compares: African/African-American, 0.0014%; no homozygotes.

Submission:

All of Us Research Program, National Institutes of Health
Classification: Uncertain significance for Multiple endocrine neoplasia, type 1. Last evaluated: 2023-06-08. Review status: criteria provided, single submitter. Criteria: ACMG Guidelines, 2015. Collection method: clinical testing. Allele origin: germline. Inheritance: Autosomal dominant inheritance. Observed: 1 variant allele, 1 heterozygote.
Comment: This missense variant replaces leucine with glutamine at codon 10 of the MEN1 protein. Computational prediction suggests that this variant may have deleterious impact on protein structure and function (internally defined REVEL score threshold >= 0.7, PMID: 27666373). To our knowledge, functional studies have not been reported for this variant. This variant has not been reported in individuals affected with MEN1-related disorders in the literature. This variant has not been identified in the general population by the Genome Aggregation Database (gnomAD). The available evidence is insufficient to determine the role of this variant in disease conclusively. Therefore, this variant is classified as a Variant of Uncertain Significance.

This study involves interpretation of variants in research participants for the purpose of population health screening. Participant phenotype was not available at the time of variant classification. Additional details can be found in publication PMID: 35346344, PMCID: PMC8962531

NM_001370259.2(MEN1):c.29T>A (p.Leu10Gln)

Gene: MEN1 (menin 1; minus strand). Cytogenetic location: 11q13.1.
Variant type: single nucleotide variant.
Coding change: c.29T>A on transcript NM_001370259.2 (MANE Select); coding-DNA position 29, T replaced by A.
Protein change: p.Leu10Gln; replaces leucine 10 with glutamine.
Molecular consequence: missense variant. On other transcripts: non-coding transcript variant (4).
Genome position (GRCh38, 1-based): chr11:64,810,081, A>T on the plus strand (T>A on the coding strand, the complement: MEN1 is on the minus strand). VCF-style: chr11-64810081-A-T. GRCh37 (hg19) VCF-style: chr11-64577553-A-T.
Other names: c.29T>A, p.Leu10Gln (NM_001407148.1, NM_001407149.1, NM_001407150.1 and 20 more transcripts); short protein forms L10Q.
Identifiers: ClinVar variation 3071507 (VCV003071507.1), dbSNP rs1942026011, ClinGen allele CA381188253.
Genomic context (GRCh38, chr11:64,810,081, plus strand): 5'-TCTCGGCCCAGCTCGGCAGCAAACAGGCGCACCACGTCGTCGATGGAGCGCAGCGGGAAC[A>T]GCGTCTTCTGGGCGGCCTTCAGCCCCATGGCGGCGGGCGGTGGGCGGCGGCCTGCAAGGC-3'
Protein context (NP_001357188.2, residues 1-20): MGLKAAQKT[Leu10Gln]FPLRSIDDVV